The following is an entry in ClinVar:

ClinVar aggregate classification (germline): Uncertain significance. Review status: criteria provided, multiple submitters, no conflicts (2 of 4 stars). 2 submissions from 2 submitters: Uncertain significance (2). Last evaluated 2025-07-04.

Conditions:
Hereditary cancer-predisposing syndrome. Also called: Hereditary neoplastic syndrome; Neoplastic Syndromes, Hereditary; Tumor predisposition; Hereditary Cancer Syndrome. Identifiers: Orphanet 140162, MedGen C0027672, MeSH D009386, MONDO:0015356.
Bloom syndrome (BLM). Also called: Bloom-Torre-Machacek syndrome. Identifiers: Orphanet 125, MedGen C0005859, MONDO:0008876, OMIM 210900.

Allele frequency attached by ClinVar (database versions not stated): TOPMed below 0.00001; gnomAD exomes 0.00001.

Submissions (2):

Ambry Genetics
Classification: Uncertain significance for Hereditary cancer-predisposing syndrome. Last evaluated: 2025-07-04. Review status: criteria provided, single submitter. Criteria: Ambry Variant Classification Scheme 2023. Collection method: clinical testing. Allele origin: germline.
Comment: The p.T446K variant (also known as c.1337C>A), located in coding exon 6 of the BLM gene, results from a C to A substitution at nucleotide position 1337. The threonine at codon 446 is replaced by lysine, an amino acid with similar properties. This amino acid position is conserved. In addition, this alteration is predicted to be tolerated by in silico analysis. Since supporting evidence is limited at this time, the clinical significance of this alteration remains unclear.

Labcorp Genetics (formerly Invitae), Labcorp
Classification: Uncertain significance for Bloom syndrome. Last evaluated: 2025-06-22. Review status: criteria provided, single submitter. Criteria: Invitae Variant Classification Sherloc (09022015). Collection method: clinical testing. Allele origin: germline.
Comment: This sequence change replaces threonine, which is neutral and polar, with lysine, which is basic and polar, at codon 446 of the BLM protein (p.Thr446Lys). This variant is present in population databases (no rsID available, gnomAD 0.01%). This variant has not been reported in the literature in individuals affected with BLM-related conditions. ClinVar contains an entry for this variant (Variation ID: 939175). Invitae Evidence Modeling of protein sequence and biophysical properties (such as structural, functional, and spatial information, amino acid conservation, physicochemical variation, residue mobility, and thermodynamic stability) indicates that this missense variant is not expected to disrupt BLM protein function with a negative predictive value of 80%. In summary, the available evidence is currently insufficient to determine the role of this variant in disease. Therefore, it has been classified as a Variant of Uncertain Significance.

NM_000057.4(BLM):c.1337C>A (p.Thr446Lys)

Gene: BLM (BLM RecQ like helicase; plus strand). Cytogenetic location: 15q26.1.
Variant type: single nucleotide variant.
Coding change: c.1337C>A on transcript NM_000057.4 (MANE Select); coding-DNA position 1337, C replaced by A.
Protein change: p.Thr446Lys; replaces threonine 446 with lysine.
Molecular consequence: missense variant.
Genome position (GRCh38, 1-based): chr15:90,760,710, C>A. VCF-style: chr15-90760710-C-A. GRCh37 (hg19) VCF-style: chr15-91303940-C-A.
Other names: c.1337C>A, p.Thr446Lys (NM_001287246.2, NM_001287247.2); c.212C>A, p.Thr71Lys (NM_001287248.2); c.1337C>A (NM_000057.2); short protein forms T71K, T446K.
Identifiers: ClinVar variation 939175 (VCV000939175.10), dbSNP rs1447973805, ClinGen allele CA393842842.